The following is an entry in ClinVar:

ClinVar aggregate classification (germline): Pathogenic (1 of 4 stars; one submission).

Conditions:
Bardet-Biedl syndrome (BBS). Identifiers: Orphanet 110, MedGen C0752166, MONDO:0015229.

Submission:

Labcorp Genetics (formerly Invitae), Labcorp
Classification: Pathogenic for Bardet-Biedl syndrome. Last evaluated: 2023-06-09. Review status: criteria provided, single submitter. Criteria: Invitae Variant Classification Sherloc (09022015). Collection method: clinical testing. Allele origin: germline.
Comment: For these reasons, this variant has been classified as Pathogenic. This variant has not been reported in the literature in individuals affected with BBS7-related conditions. This variant is not present in population databases (gnomAD no frequency). This sequence change creates a premature translational stop signal (p.Ser460Glnfs*13) in the BBS7 gene. It is expected to result in an absent or disrupted protein product. Loss-of-function variants in BBS7 are known to be pathogenic (PMID: 12567324, 19402160, 21209035, 31196119).

Literature cited by the submitters: PubMed 12567324; PubMed 19402160; PubMed 21209035; PubMed 31196119.

NM_176824.3(BBS7):c.1378del (p.Ser460fs)

Gene: BBS7 (Bardet-Biedl syndrome 7; minus strand). Cytogenetic location: 4q27.
Variant type: Deletion.
Coding change: c.1378del on transcript NM_176824.3 (MANE Select); coding-DNA position 1378, one base deleted (T; older notation c.1378delT).
Protein change: p.Ser460fs; shifts the reading frame from serine 460.
Molecular consequence: frameshift variant.
Genome position (GRCh38, 1-based): chr4:121,835,277, A deleted on the plus strand (T on the coding strand, the reverse complement: BBS7 is on the minus strand). VCF-style (leftmost placement, unchanged base first): chr4-121835276-GA-G. GRCh37 (hg19) VCF-style: chr4-122756431-GA-G.
Other names: c.1378del, p.Ser460fs (NM_018190.4); short protein forms S460fs.
Identifiers: ClinVar variation 2853758 (VCV002853758.4), dbSNP rs2476457200, ClinGen allele CA2739270279.
Genomic context (GRCh38, chr4:121,835,276, plus strand): 5'-GTTTTGGGTTGAATTCTTGGAGTCACATATGCTTGTAGTGTGCCATACTGGCCTTCAATT[GA>G]GCGAATCTGATTCAACACAAAAGAGGAAATAAAATAAGAATATTTAGCAACAAAACATAT-3'